The following is an entry in ClinVar:

NM_018367.7(ACER3):c.499G>A (p.Val167Ile)

Gene: ACER3 (alkaline ceramidase 3; plus strand). Cytogenetic location: 11q13.5.
Variant type: single nucleotide variant.
Coding change: c.499G>A on transcript NM_018367.7 (MANE Select); coding-DNA position 499, G replaced by A.
Protein change: p.Val167Ile; replaces valine 167 with isoleucine.
Molecular consequence: missense variant.
Genome position (GRCh38, 1-based): chr11:77,015,017, G>A. VCF-style: chr11-77015017-G-A. GRCh37 (hg19) VCF-style: chr11-76726061-G-A.
Other names: c.388G>A, p.Val130Ile (NM_001300953.2); c.214G>A, p.Val72Ile (NM_001300954.2, NM_001300955.2); short protein forms V167I, V130I, V72I.
Identifiers: ClinVar variation 2086984 (VCV002086984.4), dbSNP rs2496020356, ClinGen allele CA381923926.
Genomic context (GRCh38, chr11:77,015,017, plus strand): 5'-TCTGATCGTGACATGACTTGAGAAAATTTTATTTTGCTTTTCTGTTTTCCCCCCCACAGG[G>A]TTTATCCATGGCTTAGAGGACTGGGTTATACATCATTGGGTATATTTTTATTGGGATTTT-3'
Protein context (NP_060837.3, residues 157-177): VLRSIYIVTW[Val167Ile]YPWLRGLGYT

ClinVar aggregate classification (germline): Uncertain significance (1 of 4 stars; one submission).

Allele frequency attached by ClinVar (database versions not stated): gnomAD exomes below 0.00001.
gnomAD v4.1: 4 of 1,580,254 alleles (0.00025%); highest among the groups gnomAD compares: Non-Finnish European, 0.00026%; no homozygotes.

Submission:

Labcorp Genetics (formerly Invitae), Labcorp
Classification: Uncertain significance. Last evaluated: 2022-02-06. Review status: criteria provided, single submitter. Criteria: Invitae Variant Classification Sherloc (09022015). Collection method: clinical testing. Allele origin: germline.
Comment: Algorithms developed to predict the effect of missense changes on protein structure and function (SIFT, PolyPhen-2, Align-GVGD) all suggest that this variant is likely to be tolerated. In summary, the available evidence is currently insufficient to determine the role of this variant in disease. Therefore, it has been classified as a Variant of Uncertain Significance. This variant has not been reported in the literature in individuals affected with ACER3-related conditions. This variant is not present in population databases (gnomAD no frequency). This sequence change replaces valine, which is neutral and non-polar, with isoleucine, which is neutral and non-polar, at codon 167 of the ACER3 protein (p.Val167Ile).